The following is an entry in ClinVar:

NM_058246.4(DNAJB6):c.868G>A (p.Gly290Arg)

Gene: DNAJB6 (DnaJ heat shock protein family (Hsp40) member B6; plus strand). Cytogenetic location: 7q36.3.
Variant type: single nucleotide variant.
Coding change: c.868G>A on transcript NM_058246.4 (MANE Select); coding-DNA position 868, G replaced by A.
Protein change: p.Gly290Arg; replaces glycine 290 with arginine.
Molecular consequence: missense variant.
Genome position (GRCh38, 1-based): chr7:157,409,971, G>A. VCF-style: chr7-157409971-G-A. GRCh37 (hg19) VCF-style: chr7-157202665-G-A.
Other names: c.523G>A, p.Gly175Arg (NM_001363676.1); short protein forms G175R, G290R.
Identifiers: ClinVar variation 2248572 (VCV002248572.9), dbSNP rs886044456, ClinGen allele CA169899237.

ClinVar aggregate classification (germline): Uncertain significance. Review status: criteria provided, multiple submitters, no conflicts (2 of 4 stars). 4 submissions from 4 submitters: Uncertain significance (4). Last evaluated 2023-11-21.

Conditions:
Autosomal dominant limb-girdle muscular dystrophy type 1D (DNAJB6) (LGMDD1). Also called: MUSCULAR DYSTROPHY, LIMB-GIRDLE, TYPE 1D; Autosomal dominant limb-girdle muscular dystrophy type 1D; Muscular dystrophy, limb-girdle, autosomal dominant 1; MUSCULAR DYSTROPHY, AUTOSOMAL DOMINANT, WITH RIMMED VACUOLES. Identifiers: Orphanet 34516, MedGen C4721885, MONDO:0021018, OMIM 603511.
Inborn genetic diseases. Identifiers: MedGen C0950123, MeSH D030342.

Allele frequency attached by ClinVar (database versions not stated): TOPMed 0.00001.
gnomAD v4.1: 1 of 1,534,974 alleles (0.000065%); highest among the groups gnomAD compares: Admixed American, 0.002%; no homozygotes.

Submissions (4):

Labcorp Genetics (formerly Invitae), Labcorp
Classification: Uncertain significance for Autosomal dominant limb-girdle muscular dystrophy type 1D (DNAJB6). Last evaluated: 2023-11-21. Review status: criteria provided, single submitter. Criteria: Invitae Variant Classification Sherloc (09022015). Collection method: clinical testing. Allele origin: germline.
Comment: This sequence change replaces glycine, which is neutral and non-polar, with arginine, which is basic and polar, at codon 290 of the DNAJB6 protein (p.Gly290Arg). The frequency data for this variant in the population databases is considered unreliable, as metrics indicate poor data quality at this position in the gnomAD database. This variant has not been reported in the literature in individuals affected with DNAJB6-related conditions. ClinVar contains an entry for this variant (Variation ID: 2248572). Advanced modeling of protein sequence and biophysical properties (such as structural, functional, and spatial information, amino acid conservation, physicochemical variation, residue mobility, and thermodynamic stability) performed at Invitae indicates that this missense variant is not expected to disrupt DNAJB6 protein function with a negative predictive value of 80%. In summary, the available evidence is currently insufficient to determine the role of this variant in disease. Therefore, it has been classified as a Variant of Uncertain Significance.

GeneDx
Classification: Uncertain significance. Last evaluated: 2023-07-27. Review status: criteria provided, single submitter. Criteria: GeneDx Variant Classification Process June 2021. Collection method: clinical testing. Allele origin: germline. Affected: yes.
Comment: Missense variants in this gene are often considered pathogenic (HGMD); In silico analysis supports that this missense variant has a deleterious effect on protein structure/function; Has not been previously published as pathogenic or benign to our knowledge

Revvity Omics, Revvity
Classification: Uncertain significance for Autosomal dominant limb-girdle muscular dystrophy type 1D (DNAJB6). Last evaluated: 2022-05-11. Review status: criteria provided, single submitter. Criteria: ACMG Guidelines, 2015. Collection method: clinical testing. Allele origin: germline.

Ambry Genetics
Classification: Uncertain significance for Inborn genetic diseases. Last evaluated: 2021-09-01. Review status: criteria provided, single submitter. Criteria: Ambry Variant Classification Scheme 2023. Collection method: clinical testing. Allele origin: germline.